The following is an entry in ClinVar:

NM_001330700.2(TOP2B):c.4377T>C (p.Asp1459=)

Gene: TOP2B (DNA topoisomerase II beta; minus strand). Cytogenetic location: 3p24.2.
Variant type: single nucleotide variant.
Coding change: c.4377T>C on transcript NM_001330700.2 (MANE Select); coding-DNA position 4377, T replaced by C.
Protein change: p.Asp1459=; no amino-acid change (aspartic acid 1459 retained).
Molecular consequence: synonymous variant.
Genome position (GRCh38, 1-based): chr3:25,606,044, A>G on the plus strand (T>C on the coding strand, the complement: TOP2B is on the minus strand). VCF-style: chr3-25606044-A-G. GRCh37 (hg19) VCF-style: chr3-25647535-A-G.
Other names: c.4362T>C, p.Asp1454= (NM_001068.3).
Identifiers: ClinVar variation 3699956 (VCV003699956.2).
Genomic context (GRCh38, chr3:25,606,044, plus strand): 5'-TTCTCTCCACCACTAAAAGCAATAATACAATAACCAATGAAAAGACTAAATGAACATACC[A>G]TCTTCTGACTTCTGAGAATATGAAGGAAATGAGAAGAGATTTCCAAAATCCTGACTTTTT-3'
Protein context (NP_001317629.1, residues 1449-1469): SFPSYSQKSE[Asp1459=]DSAKFDSNEE

ClinVar aggregate classification (germline): Uncertain significance (1 of 4 stars; one submission).

Submission:

Labcorp Genetics (formerly Invitae), Labcorp
Classification: Uncertain significance. Last evaluated: 2024-03-04. Review status: criteria provided, single submitter. Criteria: Invitae Variant Classification Sherloc (09022015). Collection method: clinical testing. Allele origin: germline.
Comment: This sequence change affects codon 1454 of the TOP2B mRNA. It is a 'silent' change, meaning that it does not change the encoded amino acid sequence of the TOP2B protein. It affects a nucleotide within the consensus splice site. This variant is not present in population databases (gnomAD no frequency). This variant has not been reported in the literature in individuals affected with TOP2B-related conditions. Algorithms developed to predict the effect of sequence changes on RNA splicing suggest that this variant is not likely to affect RNA splicing. In summary, the available evidence is currently insufficient to determine the role of this variant in disease. Therefore, it has been classified as a Variant of Uncertain Significance.